The following is an entry in ClinVar:

ClinVar aggregate classification (germline): Uncertain significance (1 of 4 stars; one submission).

gnomAD v4.1: 13 of 700,308 alleles (0.0019%); highest among the groups gnomAD compares: East Asian, 0.013%; no homozygotes.

Submission:

Labcorp Genetics (formerly Invitae), Labcorp
Classification: Uncertain significance. Last evaluated: 2021-11-29. Review status: criteria provided, single submitter. Criteria: Invitae Variant Classification Sherloc (09022015). Collection method: clinical testing. Allele origin: germline.
Comment: In summary, the available evidence is currently insufficient to determine the role of this variant in disease. Therefore, it has been classified as a Variant of Uncertain Significance. Experimental studies and prediction algorithms are not available or were not evaluated, and the functional significance of this variant is currently unknown. This variant has not been reported in the literature in individuals affected with RNU4ATAC-related conditions. This variant is present in population databases (no rsID available, gnomAD 0.01%). This variant occurs in the RNU4ATAC gene, which encodes an RNA molecule that does not result in a protein product.

NC_000002.12:g.121530947C>G

Genes: CLASP1 (cytoplasmic linker associated protein 1; minus strand), CLASP1-AS1 (CLASP1 antisense RNA 1; plus strand), RNU4ATAC (RNA, U4atac small nuclear; plus strand). Cytogenetic location: 2q14.2.
Variant type: single nucleotide variant.
Molecular consequence: intron variant (on NM_001395891.1).
Genome position: GRCh38 VCF-style: chr2-121530947-C-G. GRCh37 (hg19) VCF-style: chr2-122288523-C-G.
Other names: c.196-622G>C (NM_001142274.2, NM_015282.3, NM_001378003.1 and 5 more transcripts).
Identifiers: ClinVar variation 1429271 (VCV001429271.6), dbSNP rs191916413, ClinGen allele CA428888022.